The following is an entry in ClinVar:

ClinVar aggregate classification (germline): Uncertain significance (1 of 4 stars; one submission).

Conditions:
Marfan syndrome (MFS). Also called: MARFAN SYNDROME, TYPE I; Marfan syndrome type 1; Marfan's syndrome; Marfan syndrome, classic; FBN1-Related Marfan Syndrome. Identifiers: Orphanet 284963, Orphanet 558, MedGen C0024796, MONDO:0007947, OMIM 154700.
Familial thoracic aortic aneurysm and aortic dissection (TAAD). Also called: Thoracic aortic aneurysms and dissections. Identifiers: Orphanet 91387, MedGen C4707243, MONDO:0019625.

Submission:

Labcorp Genetics (formerly Invitae), Labcorp
Classification: Uncertain significance for Marfan syndrome; Familial thoracic aortic aneurysm and aortic dissection. Last evaluated: 2023-05-21. Review status: criteria provided, single submitter. Criteria: Invitae Variant Classification Sherloc (09022015). Collection method: clinical testing. Allele origin: germline.
Comment: In summary, the available evidence is currently insufficient to determine the role of this variant in disease. Therefore, it has been classified as a Variant of Uncertain Significance. Advanced modeling of protein sequence and biophysical properties (such as structural, functional, and spatial information, amino acid conservation, physicochemical variation, residue mobility, and thermodynamic stability) performed at Invitae indicates that this missense variant is expected to disrupt FBN1 protein function. This sequence change replaces threonine, which is neutral and polar, with isoleucine, which is neutral and non-polar, at codon 1715 of the FBN1 protein (p.Thr1715Ile). This variant is not present in population databases (gnomAD no frequency). This variant has not been reported in the literature in individuals affected with FBN1-related conditions.

NM_000138.5(FBN1):c.5144C>T (p.Thr1715Ile)

Gene: FBN1 (fibrillin 1; minus strand). Cytogenetic location: 15q21.1.
Variant type: single nucleotide variant.
Coding change: c.5144C>T on transcript NM_000138.5 (MANE Select); coding-DNA position 5144, C replaced by T.
Protein change: p.Thr1715Ile; replaces threonine 1715 with isoleucine.
Molecular consequence: missense variant.
Genome position (GRCh38, 1-based): chr15:48,463,162, G>A on the plus strand (C>T on the coding strand, the complement: FBN1 is on the minus strand). VCF-style: chr15-48463162-G-A. GRCh37 (hg19) VCF-style: chr15-48755359-G-A.
Other names: c.5144C>T, p.Thr1715Ile (NM_001406716.1); short protein forms T1715I.
Identifiers: ClinVar variation 2944070 (VCV002944070.3), dbSNP rs2505491101, ClinGen allele CA392349204.